The following is an entry in ClinVar:

ClinVar aggregate classification (germline): Conflicting classifications of pathogenicity. Review status: criteria provided, conflicting classifications (1 of 4 stars). 5 submissions from 5 submitters: Uncertain significance (1); Likely benign (4). Last evaluated 2026-01-16.

Conditions:
Inborn genetic diseases. Identifiers: MedGen C0950123, MeSH D030342.
Megaconial type congenital muscular dystrophy (MDCMC). Also called: CHKB-Related Muscular Dystrophy; CHKB-Related Muscle Diseases; MUSCULAR DYSTROPHY, CONGENITAL, WITH MITOCHONDRIAL STRUCTURAL ABNORMALITIES. Identifiers: Orphanet 280671, MedGen C1865233, MONDO:0011246, OMIM 602541.

Allele frequency attached by ClinVar (database versions not stated): TOPMed 0.00023; gnomAD 0.00025 and 0.00026; gnomAD exomes 0.00038 and 0.00052; ExAC 0.00076.

Submissions (5):

Labcorp Genetics (formerly Invitae), Labcorp
Classification: Likely benign for Megaconial type congenital muscular dystrophy. Last evaluated: 2026-01-16. Review status: criteria provided, single submitter. Criteria: Invitae Variant Classification Sherloc (09022015). Collection method: clinical testing. Allele origin: germline.

Ambry Genetics
Classification: Uncertain significance for Inborn genetic diseases. Last evaluated: 2025-01-01. Review status: criteria provided, single submitter. Criteria: Ambry Variant Classification Scheme 2023. Collection method: clinical testing. Allele origin: germline.

Mayo Clinic Laboratories, Mayo Clinic
Classification: Likely benign. Last evaluated: 2024-12-05. Review status: criteria provided, single submitter. Criteria: ACMG Guidelines, 2015. Collection method: clinical testing. Allele origin: germline. Observed: 3 variant alleles.
Comment: BS1, BP4

GeneDx
Classification: Likely benign. Last evaluated: 2019-08-12. Review status: criteria provided, single submitter. Criteria: GeneDx Variant Classification Process June 2021. Collection method: clinical testing. Allele origin: germline. Affected: yes.

Genomic Research Center, Shahid Beheshti University of Medical Sciences
Classification: Likely benign for Muscular dystrophy, congenital, megaconial type. Last evaluated: 2019-01-01. Review status: criteria provided, single submitter. Criteria: ACMG Guidelines, 2015. Collection method: clinical testing. Allele origin: unknown. Affected: no. Observed: 1 variant allele.

NM_005198.5(CHKB):c.38C>T (p.Ala13Val)

Genes: CHKB (choline kinase beta; minus strand), CHKB-CPT1B (CHKB-CPT1B readthrough (NMD candidate); minus strand). Cytogenetic location: 22q13.33.
Variant type: single nucleotide variant.
Coding change: c.38C>T on transcript NM_005198.5 (MANE Select); coding-DNA position 38, C replaced by T.
Protein change: p.Ala13Val; replaces alanine 13 with valine.
Molecular consequence: missense variant. On other transcripts: non-coding transcript variant (1).
Genome position (GRCh38, 1-based): chr22:50,582,744, G>A on the plus strand (C>T on the coding strand, the complement: CHKB is on the minus strand). VCF-style: chr22-50582744-G-A. GRCh37 (hg19) VCF-style: chr22-51021173-G-A.
Other names: p.Ala13Val; short protein forms A13V.
Identifiers: ClinVar variation 388744 (VCV000388744.18), dbSNP rs779585255, ClinGen allele CA10323924.
Genomic context (GRCh38, chr22:50,582,744, plus strand): 5'-GGGGTAGTGTCCGGGCACTTAGACTGCTGCAAGCCGTCTTTGGCCAGGCAGCCGCCAACA[G>A]CCCCGCTTCCGGCCACAGCTGTCGCCTCGGCCGCCATGGCGCGGGCTCGACCGGGCCCCA-3'
Protein context (NP_005189.2, residues 3-23): AEATAVAGSG[Ala13Val]VGGCLAKDGL